The following is an entry in ClinVar:

ClinVar aggregate classification (germline): Pathogenic. Review status: criteria provided, multiple submitters, no conflicts (2 of 4 stars). 7 submissions from 7 submitters: Pathogenic (6). 1 of the submissions does not count toward it. Last evaluated 2026-09-02.

Conditions:
ALMS1-related disorder. Also called: ALMS1-related condition.
Cardiovascular phenotype. Identifiers: MedGen CN230736.
Alstrom syndrome (ALMS). Identifiers: Orphanet 64, MedGen C0268425, MONDO:0008763, OMIM 203800.

Submissions (7):

Ambry Genetics
Classification: Pathogenic for Cardiovascular phenotype. Last evaluated: 2026-09-02. Review status: criteria provided, single submitter. Criteria: Ambry Variant Classification Scheme 2023. Collection method: clinical testing. Allele origin: germline.
Comment: The c.7375_7376delGA pathogenic mutation, located in coding exon 8 of the ALMS1 gene, results from a deletion of two nucleotides at nucleotide positions 7375 to 7376, causing a translational frameshift with a predicted alternate stop codon (p.D2459*). This variant has been identified in the homozygous state and/or in conjunction with other ALMS1 variant(s) in individual(s) with features consistent with Alstrom syndrome (Marshall JD et al. Hum Mutat, 2007 Nov;28:1114-23; Pereiro I et al. Eur J Hum Genet, 2011 Apr;19:485-8). Note, this variant is also referred to as c.7374_7375delAG in the literature. This variant is considered to be rare based on population cohorts in the Genome Aggregation Database (gnomAD). This alteration is expected to result in loss of function by premature protein truncation or nonsense-mediated mRNA decay. As such, this alteration is interpreted as a disease-causing mutation.

Labcorp Genetics (formerly Invitae), Labcorp
Classification: Pathogenic for Alstrom syndrome. Last evaluated: 2025-10-01. Review status: criteria provided, single submitter. Criteria: Invitae Variant Classification Sherloc (09022015). Collection method: clinical testing. Allele origin: germline.
Comment: This sequence change creates a premature translational stop signal (p.Asp2459*) in the ALMS1 gene. It is expected to result in an absent or disrupted protein product. Loss-of-function variants in ALMS1 are known to be pathogenic (PMID: 17594715). This variant is present in population databases (no rsID available, gnomAD 0.0009%). This premature translational stop signal has been observed in individual(s) with Alstrom syndrome (PMID: 17594715). ClinVar contains an entry for this variant (Variation ID: 550572). Algorithms developed to predict the effect of sequence changes on RNA splicing suggest that this variant may disrupt the consensus splice site. For these reasons, this variant has been classified as Pathogenic.

Natera, Inc.
Classification: Pathogenic for Alstrom syndrome. Last evaluated: 2024-04-10. Review status: criteria provided, single submitter. Criteria: Natera Variant Classification Schema (03/2026). Collection method: clinical testing. Allele origin: germline.
Comment: The c.7375_7376delGA variant in ALMS1 is a frameshift variant predicted to shift the reading frame and introduce a stop codon. This variant is expected to result in nonsense mediated decay, truncation, or a dysfunctional protein product. This variant is rare in the general population with a frequency below the threshold expected for the associated phenotype(s). This variant has been observed in one or more individuals affected with the associated recessive disease, as either homozygous or compound heterozygous with a second variant (PMID: 17594715). Given the available evidence, this variant is classified as Pathogenic.

GeneDx
Classification: Pathogenic. Last evaluated: 2022-04-07. Review status: criteria provided, single submitter. Criteria: GeneDx Variant Classification Process June 2021. Collection method: clinical testing. Allele origin: germline. Affected: yes.
Comment: Nonsense variant predicted to result in protein truncation or nonsense mediated decay in a gene for which loss of function is a known mechanism of disease; Not observed at significant frequency in large population cohorts (gnomAD); This variant is associated with the following publications: (PMID: 21157496, 17594715)

Fulgent Genetics
Classification: Pathogenic for Alstrom syndrome. Last evaluated: 2021-09-16. Review status: criteria provided, single submitter. Criteria: ACMG Guidelines, 2015. Collection method: clinical testing. Allele origin: unknown.

Blueprint Genetics
Classification: Pathogenic for ALMS1-related disorders. Last evaluated: 2019-01-15. Review status: criteria provided, single submitter. Criteria: ACMG Guidelines, 2015. Collection method: clinical testing. Allele origin: germline. Affected: yes. Observed: 1 variant allele.

Counsyl
Classification: Pathogenic for Alstrom syndrome. Last evaluated: 2017-02-01. Review status: no assertion criteria provided. Collection method: clinical testing. Allele origin: unknown. Not counted in ClinVar's aggregate classification.

Literature cited by the submitters: PubMed 17594715 (cited by 4 submitters); PubMed 21157496 (cited by Ambry Genetics and Counsyl); PubMed 22555271 (cited by Counsyl).

NM_001378454.1(ALMS1):c.7372_7373del (p.Thr2457_Asp2458insTer)

Gene: ALMS1 (ALMS1 centrosome and basal body associated protein; plus strand). Cytogenetic location: 2p13.1.
Variant type: Deletion.
Coding change: c.7372_7373del on transcript NM_001378454.1 (MANE Select); coding-DNA positions 7372 to 7373, 2 bases deleted (GA; older notation c.7372_7373delGA).
Protein change: p.Thr2457_Asp2458insTer.
Molecular consequence: nonsense.
Genome position (GRCh38, 1-based): chr2:73,453,899-73,453,900, GA deleted; deleting any 2 consecutive bases within chr2:73,453,898-73,453,900 gives the same sequence; the c. name uses the placement nearest the transcript's 3' end. VCF-style (leftmost placement, unchanged base first): chr2-73453897-CAG-C. GRCh37 (hg19) VCF-style: chr2-73681024-CAG-C.
Other names: c.7375_7376delGA (NM_015120.4); c.7375_7376del, p.Thr2458_Asp2459insTer (NM_015120.4).
Identifiers: ClinVar variation 550572 (VCV000550572.14), dbSNP rs1225343345, ClinGen allele CA534125708.
Genomic context (GRCh38, chr2:73,453,897, plus strand): 5'-AATCAGTTTCTGATGTTCTTCTAAACTTCTTTCCATATGTTTCACCCAAGACAAGTATAA[CAG>C]ATAGCAGGGAGGAAGAGGGTGTGTCAGAGAGTGAGGATGGTGGTGGTAGCAGTGTAGATT-3'